The following is an entry in ClinVar:

ClinVar aggregate classification (germline): Pathogenic (0 of 4 stars; one submission).

Conditions:
Pyruvate dehydrogenase E1-alpha deficiency (PDHAD). Also called: ATAXIA, INTERMITTENT, WITH PYRUVATE DEHYDROGENASE DEFICIENCY; ATAXIA WITH LACTIC ACIDOSIS I; ATAXIA, INTERMITTENT, WITH ABNORMAL PYRUVATE METABOLISM; Ataxia, intermittent, with pyruvate dehydrogenase, or decarboxylase, deficiency. Identifiers: Orphanet 79243, MedGen C1839413, MONDO:0010717, OMIM 312170.

Submission:

PDHA1 Study Group, University Children’s Hospital, Paracelsus Medical University
Classification: Pathogenic for Pyruvate dehydrogenase E1-alpha deficiency. Last evaluated: 2024-10-15. Review status: no assertion criteria provided. Collection method: research. Allele origin: germline. Affected: yes. Observed: 1 variant allele.
Comment: The NM_000284.3:c.949_950del (p.Ile317TyrfsTer22) change is a frameshift variant in PDHA1 gene. This variant is predicted to result in nonsense-mediated decay (NMD). The variant has been reported in 1 published case (PMIDs: 8504306). Last literature search: July 12, 2024. This variant is absent or extremely rare in population-based cohorts in the Genome Aggregation Database (gnomAD). Individuals harboring this variant presented with clinical features compatible with PDHA1-related PDHc deficiency. In summary, this variant meets criteria to be classified as pathogenic (P) for PDHA1-related PDHc deficiency based on the ACMG/AMP criteria applied: PVS1, PS3, PM2, PM7 (last assessment October 15, 2024).

Literature cited by the submitters: PubMed 8504306; DOI 10.1093/brain/awaf430.

NM_000284.4(PDHA1):c.949_950del (p.Ile317fs)

Gene: PDHA1 (pyruvate dehydrogenase E1 subunit alpha 1; plus strand). Cytogenetic location: Xp22.12.
Variant type: Deletion.
Coding change: c.949_950del on transcript NM_000284.4 (MANE Select); coding-DNA positions 949 to 950, 2 bases deleted (AT; older notation c.949_950delAT).
Protein change: p.Ile317fs; shifts the reading frame from isoleucine 317.
Molecular consequence: frameshift variant.
Genome position (GRCh38, 1-based): chrX:19,358,965-19,358,966, AT deleted; deleting any 2 consecutive bases within chrX:19,358,964-19,358,966 gives the same sequence; the c. name uses the placement nearest the transcript's 3' end. VCF-style (leftmost placement, unchanged base first): chrX-19358963-CTA-C. GRCh37 (hg19) VCF-style: chrX-19377081-CTA-C.
Other names: c.1063_1064del, p.Ile355fs (NM_001173454.2); c.970_971del, p.Ile324fs (NM_001173455.2); c.856_857del, p.Ile286fs (NM_001173456.2); short protein forms I286fs, I317fs, I324fs, I355fs.
Identifiers: ClinVar variation 4070411 (VCV004070411.1).
Genomic context (GRCh38, chrX:19,358,963, plus strand): 5'-TCCCTCCCCATAGTTACCGTACACGAGAAGAAATTCAGGAAGTAAGAAGTAAGAGTGACC[CTA>C]TTATGCTTCTCAAGGACAGGATGGTGAACAGCAATCTTGCCAGTGTGGAAGAACTAAAGG-3'